The following is an entry in ClinVar:

NM_144997.7(FLCN):c.293A>G (p.His98Arg)

Gene: FLCN (folliculin; minus strand). Cytogenetic location: 17p11.2.
Variant type: single nucleotide variant.
Coding change: c.293A>G on transcript NM_144997.7 (MANE Select); coding-DNA position 293, A replaced by G.
Protein change: p.His98Arg; replaces histidine 98 with arginine.
Molecular consequence: missense variant.
Genome position (GRCh38, 1-based): chr17:17,226,279, T>C on the plus strand (A>G on the coding strand, the complement: FLCN is on the minus strand). VCF-style: chr17-17226279-T-C. GRCh37 (hg19) VCF-style: chr17-17129593-T-C.
Other names: c.293A>G, p.His98Arg (NM_001353229.2, NM_001353230.2, NM_001353231.2 and 1 more transcripts); short protein forms H98R.
Identifiers: ClinVar variation 1797893 (VCV001797893.7), dbSNP rs2047246681, ClinGen allele CA398534908.
Genomic context (GRCh38, chr17:17,226,279, plus strand): 5'-AAGAGCTGGGGGTGGCTGGGGTGCTGGTGGCTGACGTATTTAATGGAGGTCTCTTTATCA[T>C]GGCTGATATATCCCGGGTGCCCTGCAGCAAGTGACCGGCAGCCCTGTCCATGAAAAGGAA-3'
Protein context (NP_659434.2, residues 88-108): LAAGHPGYIS[His98Arg]DKETSIKYVS

ClinVar aggregate classification (germline): Uncertain significance. Review status: criteria provided, multiple submitters, no conflicts (2 of 4 stars). 3 submissions from 3 submitters: Uncertain significance (2). 1 of the submissions does not count toward it. Last evaluated 2025-04-19.

Conditions:
FLCN-related disorder. Also called: FLCN-related condition.
Hereditary cancer-predisposing syndrome. Also called: Neoplastic Syndromes, Hereditary; Tumor predisposition; Hereditary neoplastic syndrome; Hereditary Cancer Syndrome. Identifiers: Orphanet 140162, MedGen C0027672, MeSH D009386, MONDO:0015356.
Birt-Hogg-Dube syndrome. Also called: Birt Hogg Dubé syndrome. Identifiers: Orphanet 122, MedGen C0346010, MONDO:0800444.

Allele frequency attached by ClinVar (database versions not stated): TOPMed below 0.00001.
gnomAD v4.1: 1 of 1,614,160 alleles (0.000062%); highest among the groups gnomAD compares: Non-Finnish European, 0.000085%; no homozygotes.

Submissions (3):

Ambry Genetics
Classification: Uncertain significance for Hereditary cancer-predisposing syndrome. Last evaluated: 2025-04-19. Review status: criteria provided, single submitter. Criteria: Ambry Variant Classification Scheme 2023. Collection method: clinical testing. Allele origin: germline.
Comment: The p.H98R variant (also known as c.293A>G), located in coding exon 2 of the FLCN gene, results from an A to G substitution at nucleotide position 293. The histidine at codon 98 is replaced by arginine, an amino acid with highly similar properties. This amino acid position is conserved. In addition, this alteration is predicted to be tolerated by in silico analysis. Since supporting evidence is limited at this time, the clinical significance of this alteration remains unclear.

Labcorp Genetics (formerly Invitae), Labcorp
Classification: Uncertain significance for Birt-Hogg-Dube syndrome. Last evaluated: 2024-07-16. Review status: criteria provided, single submitter. Criteria: Invitae Variant Classification Sherloc (09022015). Collection method: clinical testing. Allele origin: germline.
Comment: This sequence change replaces histidine, which is basic and polar, with arginine, which is basic and polar, at codon 98 of the FLCN protein (p.His98Arg). This variant is not present in population databases (gnomAD no frequency). This variant has not been reported in the literature in individuals affected with FLCN-related conditions. ClinVar contains an entry for this variant (Variation ID: 1797893). Advanced modeling of protein sequence and biophysical properties (such as structural, functional, and spatial information, amino acid conservation, physicochemical variation, residue mobility, and thermodynamic stability) performed at Invitae indicates that this missense variant is not expected to disrupt FLCN protein function with a negative predictive value of 80%. In summary, the available evidence is currently insufficient to determine the role of this variant in disease. Therefore, it has been classified as a Variant of Uncertain Significance.

PreventionGenetics, part of Exact Sciences
Classification: Uncertain significance for FLCN-related condition. Last evaluated: 2024-05-31. Review status: no assertion criteria provided. Collection method: clinical testing. Allele origin: germline. Not counted in ClinVar's aggregate classification.
Comment: The FLCN c.293A>G variant is predicted to result in the amino acid substitution p.His98Arg. To our knowledge, this variant has not been reported in the literature or in a large population database, indicating this variant is rare. This variant is classified as a variant of uncertain significance by multiple submitters in Clinvar. At this time, the clinical significance of this variant is uncertain due to the absence of conclusive functional and genetic evidence.